The following is an entry in ClinVar:

ClinVar aggregate classification (germline): Uncertain significance. Review status: criteria provided, multiple submitters, no conflicts (2 of 4 stars). 3 submissions from 3 submitters: Uncertain significance (3). Last evaluated 2024-03-07.

Conditions:
Nephronophthisis. Also called: Juvenile Nephronophthisis. Identifiers: Orphanet 655, MedGen C0687120, MONDO:0019005, HP:0000090.
Nephronophthisis 4 (NPHP4). Also called: NEPHRONOPHTHISIS 4, JUVENILE. Identifiers: Orphanet 655, MedGen C1847013, MONDO:0011752, OMIM 606966.
Senior-Loken syndrome 4 (SLSN4). Identifiers: Orphanet 3156, MedGen C1846979, MONDO:0011756, OMIM 606996.
Inborn genetic diseases. Identifiers: MedGen C0950123, MeSH D030342.

Allele frequency attached by ClinVar (database versions not stated): gnomAD exomes below 0.00001 and 0.00002; gnomAD 0.00002.
gnomAD v4.1: 32 of 1,575,512 alleles (0.002%); highest among the groups gnomAD compares: Non-Finnish European, 0.0025%; no homozygotes.

Submissions (3):

Ambry Genetics
Classification: Uncertain significance for Inborn genetic diseases. Last evaluated: 2024-03-07. Review status: criteria provided, single submitter. Criteria: Ambry Variant Classification Scheme 2023. Collection method: clinical testing. Allele origin: germline.

Labcorp Genetics (formerly Invitae), Labcorp
Classification: Uncertain significance for Nephronophthisis. Last evaluated: 2022-06-20. Review status: criteria provided, single submitter. Criteria: Invitae Variant Classification Sherloc (09022015). Collection method: clinical testing. Allele origin: germline.
Comment: In summary, the available evidence is currently insufficient to determine the role of this variant in disease. Therefore, it has been classified as a Variant of Uncertain Significance. Algorithms developed to predict the effect of missense changes on protein structure and function are either unavailable or do not agree on the potential impact of this missense change (SIFT: "Tolerated"; PolyPhen-2: "Probably Damaging"; Align-GVGD: "Class C0"). This variant has not been reported in the literature in individuals affected with NPHP4-related conditions. The frequency data for this variant in the population databases is considered unreliable, as metrics indicate poor data quality at this position in the gnomAD database. This sequence change replaces proline, which is neutral and non-polar, with alanine, which is neutral and non-polar, at codon 1222 of the NPHP4 protein (p.Pro1222Ala).

Fulgent Genetics
Classification: Uncertain significance for Nephronophthisis 4; Senior-Loken syndrome 4. Last evaluated: 2021-12-23. Review status: criteria provided, single submitter. Criteria: ACMG Guidelines, 2015. Collection method: clinical testing. Allele origin: unknown.

NM_015102.5(NPHP4):c.3664C>G (p.Pro1222Ala)

Gene: NPHP4 (nephrocystin 4; minus strand). Cytogenetic location: 1p36.31.
Variant type: single nucleotide variant.
Coding change: c.3664C>G on transcript NM_015102.5 (MANE Select); coding-DNA position 3664, C replaced by G.
Protein change: p.Pro1222Ala; replaces proline 1222 with alanine.
Molecular consequence: missense variant. On other transcripts: non-coding transcript variant (1).
Genome position (GRCh38, 1-based): chr1:5,865,254, G>C on the plus strand (C>G on the coding strand, the complement: NPHP4 is on the minus strand). VCF-style: chr1-5865254-G-C. GRCh37 (hg19) VCF-style: chr1-5925314-G-C.
Other names: c.3664C>G (NM_015102.3); c.2125C>G, p.Pro709Ala (NM_001291593.2); c.2128C>G, p.Pro710Ala (NM_001291594.2); short protein forms P1222A, P710A, P709A.
Identifiers: ClinVar variation 1522095 (VCV001522095.8), dbSNP rs1038494626, ClinGen allele CA17125457.